The following is an entry in ClinVar:

NM_006516.4(SLC2A1):c.679+5G>T

Gene: SLC2A1 (solute carrier family 2 member 1; minus strand). Cytogenetic location: 1p34.2.
Variant type: single nucleotide variant.
Coding change: c.679+5G>T on transcript NM_006516.4 (MANE Select); 5 bases into the intron after coding-DNA position 679, G replaced by T.
Molecular consequence: intron variant.
Genome position (GRCh38, 1-based): chr1:42,929,868, C>A on the plus strand (G>T on the coding strand, the complement: SLC2A1 is on the minus strand). VCF-style: chr1-42929868-C-A. GRCh37 (hg19) VCF-style: chr1-43395539-C-A.
Other names: NC_000001.10:g.43395539C>A.
Identifiers: ClinVar variation 265304 (VCV000265304.3), dbSNP rs771386274, ClinGen allele CA10588296.
Genomic context (GRCh38, chr1:42,929,868, plus strand): 5'-TGGCTCAGAGTGGGAAGAAGGCCAGGGCTCAGGGAGTGGGGAGGAGGGCAGGGCCATGCC[C>A]GTACCACTCTTGGCCCGGTTCTCCTCGTTGCGGTTGATGAGCAGGAAGCGGGGACTCTCG-3'

ClinVar aggregate classification (germline): Likely pathogenic (1 of 4 stars; one submission).

Submissions (2):

GeneDx
Classification: Likely pathogenic. Last evaluated: 2016-01-25. Review status: criteria provided, single submitter. Criteria: GeneDx Variant Classification (06012015). Collection method: clinical testing. Allele origin: germline. Affected: yes.
Comment: The c.679+5 G>T variant that is likely pathogenic has not been published as a pathogenic variant, nor has it been reported as a benign variant to our knowledge. The c.679+5 G>T variant was not observed in approximately 6,500 individuals of European and African American ancestry in the NHLBI Exome Sequencing Project, indicating it is not a common benign variant in these populations. Several in-silico splice prediction models predict that c.679+5 G>T may destroy the natural splice donor site in intron 5 and lead to abnormal gene splicing. However, in the absence of RNA/functional studies, the actual effect of this sequence change in this individual is unknown. Therefore, this variant is likely pathogenic; however, the possibility that it is benign cannot be excluded.

Dr. Peter K. Rogan Lab, Western University
No classification provided (evidence only). Condition: Colon adenocarcinoma. Review status: no classification provided. Collection method: in vitro. Allele origin: not applicable. Functional consequence: retained intron. Not counted in ClinVar's aggregate classification.